The following is an entry in ClinVar:

ClinVar aggregate classification (germline): Uncertain significance (1 of 4 stars; one submission).

Conditions:
MELAS syndrome (MELAS). Also called: Juvenile myopathy, encephalopathy, lactic acidosis, stroke. Identifiers: Orphanet 550, MedGen C0162671, MONDO:0010789, OMIM 540000.

Submission:

Wong Mito Lab, Molecular and Human Genetics, Baylor College of Medicine
Classification: Uncertain significance for MELAS syndrome. Last evaluated: 2019-07-12. Review status: criteria provided, single submitter. Criteria: Modified ACMG Guidelines (Unpublished). Collection method: clinical testing. Allele origin: germline.
Comment: The NC_012920.1:m.7562A>G variant in MT-TD gene is interpreted to be a Unknown Significance variant based on the modified ACMG guidelines (unpublished). This variant meets the following evidence codes reported in the guidelines: BP6

Literature cited by the submitters: PubMed 31965079.

NC_012920.1(MT-TD):m.7562A>G

Gene: MT-TD (mitochondrially encoded tRNA aspartic acid; plus strand).
Variant type: single nucleotide variant.
Genome position: chrM-7562-A-G.
Identifiers: ClinVar variation 690049 (VCV000690049.1), dbSNP rs1603221015, ClinGen allele CA913177418.